The following is an entry in ClinVar:

ClinVar aggregate classification (germline): Uncertain significance (1 of 4 stars; one submission).

Allele frequency attached by ClinVar (database versions not stated): gnomAD exomes 0.00003 and 0.00004; ExAC 0.00006; gnomAD 0.00006; ESP Exome Variant Server 0.00009.

Submission:

Labcorp Genetics (formerly Invitae), Labcorp
Classification: Uncertain significance. Last evaluated: 2024-10-22. Review status: criteria provided, single submitter. Criteria: Invitae Variant Classification Sherloc (09022015). Collection method: clinical testing. Allele origin: germline.
Comment: This sequence change replaces threonine, which is neutral and polar, with alanine, which is neutral and non-polar, at codon 1099 of the PCLO protein (p.Thr1099Ala). This variant is present in population databases (rs372179309, gnomAD 0.008%). This variant has not been reported in the literature in individuals affected with PCLO-related conditions. ClinVar contains an entry for this variant (Variation ID: 1379425). Experimental studies and prediction algorithms are not available or were not evaluated, and the functional significance of this variant is currently unknown. In summary, the available evidence is currently insufficient to determine the role of this variant in disease. Therefore, it has been classified as a Variant of Uncertain Significance.

NM_033026.6(PCLO):c.3295A>G (p.Thr1099Ala)

Gene: PCLO (piccolo presynaptic cytomatrix protein; minus strand). Cytogenetic location: 7q21.11.
Variant type: single nucleotide variant.
Coding change: c.3295A>G on transcript NM_033026.6 (MANE Select); coding-DNA position 3295, A replaced by G.
Protein change: p.Thr1099Ala; replaces threonine 1099 with alanine.
Molecular consequence: missense variant.
Genome position (GRCh38, 1-based): chr7:83,134,255, T>C on the plus strand (A>G on the coding strand, the complement: PCLO is on the minus strand). VCF-style: chr7-83134255-T-C. GRCh37 (hg19) VCF-style: chr7-82763571-T-C.
Other names: c.3295A>G, p.Thr1099Ala (NM_014510.3); short protein forms T1099A.
Identifiers: ClinVar variation 1379425 (VCV001379425.6), dbSNP rs372179309, ClinGen allele CA4321103.